The following is an entry in ClinVar:

ClinVar aggregate classification (germline): Likely benign. Review status: criteria provided, multiple submitters, no conflicts (2 of 4 stars). 3 submissions from 3 submitters: Likely benign (2). 1 of the submissions does not count toward it. Last evaluated 2025-04-29.

Conditions:
Ullrich congenital muscular dystrophy 2 (UCMD2). Identifiers: Orphanet 75840, MedGen C4225314, MONDO:0014654, OMIM 616470.
Bethlem myopathy 2 (BTHLM2). Identifiers: Orphanet 536516, Orphanet 610, MedGen C4225313, MONDO:0034022, OMIM 616471.
COL12A1-related disorder. Also called: COL12A1-related condition.

Allele frequency attached by ClinVar (database versions not stated): gnomAD 0.00001; gnomAD exomes 0.00001; TOPMed 0.00001; ExAC 0.00002.
gnomAD v4.1: 10 of 1,597,350 alleles (0.00063%); highest among the groups gnomAD compares: Non-Finnish European, 0.00086%; no homozygotes.

Submissions (3):

Labcorp Genetics (formerly Invitae), Labcorp
Classification: Likely benign for Bethlem myopathy 2; Ullrich congenital muscular dystrophy 2. Last evaluated: 2025-04-29. Review status: criteria provided, single submitter. Criteria: Invitae Variant Classification Sherloc (09022015). Collection method: clinical testing. Allele origin: germline.

Blueprint Genetics
Classification: Likely benign. Last evaluated: 2024-05-27. Review status: criteria provided, single submitter. Criteria: ACMG Guidelines, 2015. Collection method: clinical testing. Allele origin: germline.

PreventionGenetics, part of Exact Sciences
Classification: Likely benign for COL12A1-related condition. Last evaluated: 2022-05-24. Review status: no assertion criteria provided. Collection method: clinical testing. Allele origin: germline. Not counted in ClinVar's aggregate classification.
Comment: This variant is classified as likely benign based on ACMG/AMP sequence variant interpretation guidelines (Richards et al. 2015 PMID: 25741868, with internal and published modifications).

NM_004370.6(COL12A1):c.7722T>C (p.Pro2574=)

Gene: COL12A1 (collagen type XII alpha 1 chain; minus strand). Cytogenetic location: 6q13.
Variant type: single nucleotide variant.
Coding change: c.7722T>C on transcript NM_004370.6 (MANE Select); coding-DNA position 7722, T replaced by C.
Protein change: p.Pro2574=; no amino-acid change (proline 2574 retained).
Molecular consequence: synonymous variant.
Genome position (GRCh38, 1-based): chr6:75,113,720, A>G on the plus strand (T>C on the coding strand, the complement: COL12A1 is on the minus strand). VCF-style: chr6-75113720-A-G. GRCh37 (hg19) VCF-style: chr6-75823436-A-G.
Other names: c.4230T>C, p.Pro1410= (NM_080645.3); c.7722T>C (NM_004370.5).
Identifiers: ClinVar variation 1550731 (VCV001550731.11), dbSNP rs748445921, ClinGen allele CA3892469.